The following is an entry in ClinVar:

ClinVar aggregate classification (germline): Uncertain significance (0 of 4 stars; one submission).

Conditions:
PKD1-related disorder. Also called: PKD1-related condition.

Allele frequency attached by ClinVar (database versions not stated): ExAC 0.00001; TOPMed 0.00001.

Submission:

PreventionGenetics, part of Exact Sciences
Classification: Uncertain significance for PKD1-related condition. Last evaluated: 2023-12-04. Review status: no assertion criteria provided. Collection method: clinical testing. Allele origin: germline.
Comment: The PKD1 c.6671C>T variant is predicted to result in the amino acid substitution p.Pro2224Leu. To our knowledge, this variant has not been reported in the literature. Of note, this variant has been documented in a thesis for the degree of Doctor of Philosophy as a variant of uncertain significance (DOI 10.26190/unsworks/21307). This variant is reported in 0.0033% of alleles in individuals of South Asian descent in gnomAD. At this time, the clinical significance of this variant is uncertain due to the absence of conclusive functional and genetic evidence.

NM_001009944.3(PKD1):c.6671C>T (p.Pro2224Leu)

Gene: PKD1 (polycystin 1, transient receptor potential channel interacting; minus strand). Cytogenetic location: 16p13.3.
Variant type: single nucleotide variant.
Coding change: c.6671C>T on transcript NM_001009944.3 (MANE Select); coding-DNA position 6671, C replaced by T.
Protein change: p.Pro2224Leu; replaces proline 2224 with leucine.
Molecular consequence: missense variant.
Genome position (GRCh38, 1-based): chr16:2,108,496, G>A on the plus strand (C>T on the coding strand, the complement: PKD1 is on the minus strand). VCF-style: chr16-2108496-G-A. GRCh37 (hg19) VCF-style: chr16-2158497-G-A.
Other names: c.6671C>T, p.Pro2224Leu (NM_000296.4); short protein forms P2224L.
Identifiers: ClinVar variation 3036298 (VCV003036298.2), dbSNP rs755220551, ClinGen allele CA7831505.